The following is an entry in ClinVar:

NM_033026.6(PCLO):c.5005A>G (p.Thr1669Ala)

Gene: PCLO (piccolo presynaptic cytomatrix protein; minus strand). Cytogenetic location: 7q21.11.
Variant type: single nucleotide variant.
Coding change: c.5005A>G on transcript NM_033026.6 (MANE Select); coding-DNA position 5005, A replaced by G.
Protein change: p.Thr1669Ala; replaces threonine 1669 with alanine.
Molecular consequence: missense variant.
Genome position (GRCh38, 1-based): chr7:82,955,948, T>C on the plus strand (A>G on the coding strand, the complement: PCLO is on the minus strand). VCF-style: chr7-82955948-T-C. GRCh37 (hg19) VCF-style: chr7-82585264-T-C.
Other names: c.5005A>G, p.Thr1669Ala (NM_014510.3); short protein forms T1669A.
Identifiers: ClinVar variation 2974473 (VCV002974473.3), dbSNP rs761940628, ClinGen allele CA4320723.

ClinVar aggregate classification (germline): Uncertain significance (1 of 4 stars; one submission).

Allele frequency attached by ClinVar (database versions not stated): gnomAD exomes 0.00001; ExAC 0.00002.
gnomAD v4.1: 8 of 1,613,824 alleles (0.0005%); highest among the groups gnomAD compares: South Asian, 0.0088%; no homozygotes.

Submission:

Labcorp Genetics (formerly Invitae), Labcorp
Classification: Uncertain significance. Last evaluated: 2024-03-08. Review status: criteria provided, single submitter. Criteria: Invitae Variant Classification Sherloc (09022015). Collection method: clinical testing. Allele origin: germline.
Comment: This sequence change replaces threonine, which is neutral and polar, with alanine, which is neutral and non-polar, at codon 1669 of the PCLO protein (p.Thr1669Ala). This variant is present in population databases (rs761940628, gnomAD 0.01%). This variant has not been reported in the literature in individuals affected with PCLO-related conditions. Experimental studies and prediction algorithms are not available or were not evaluated, and the functional significance of this variant is currently unknown. In summary, the available evidence is currently insufficient to determine the role of this variant in disease. Therefore, it has been classified as a Variant of Uncertain Significance.